The following is an entry in ClinVar:

ClinVar aggregate classification (germline): Uncertain significance (1 of 4 stars; one submission).

gnomAD v4.1: 1 of 1,612,858 alleles (0.000062%); no homozygotes.

Submission:

GeneDx
Classification: Uncertain significance. Last evaluated: 2025-06-09. Review status: criteria provided, single submitter. Criteria: GeneDx Variant Classification Process June 2021. Collection method: clinical testing. Allele origin: germline. Affected: yes.
Comment: Not observed at significant frequency in large population cohorts (gnomAD); In silico analysis supports that this missense variant has a deleterious effect on protein structure/function; Has not been previously published as pathogenic or benign to our knowledge

NM_015057.5(MYCBP2):c.1676T>G (p.Leu559Arg)

Gene: MYCBP2 (MYC binding protein 2; minus strand). Cytogenetic location: 13q22.3.
Variant type: single nucleotide variant.
Coding change: c.1676T>G on transcript NM_015057.5 (MANE Select); coding-DNA position 1676, T replaced by G.
Protein change: p.Leu559Arg; replaces leucine 559 with arginine.
Molecular consequence: missense variant.
Genome position (GRCh38, 1-based): chr13:77,261,347, A>C on the plus strand (T>G on the coding strand, the complement: MYCBP2 is on the minus strand). VCF-style: chr13-77261347-A-C. GRCh37 (hg19) VCF-style: chr13-77835482-A-C.
Other names: short protein forms L559R.
Identifiers: ClinVar variation 4538072 (VCV004538072.1).